The following is an entry in ClinVar:

ClinVar aggregate classification (germline): Likely benign. Review status: criteria provided, multiple submitters, no conflicts (2 of 4 stars). 3 submissions from 3 submitters: Likely benign (2). 1 of the submissions does not count toward it. Last evaluated 2024-12-24.

Conditions:
PIGT-related disorder.
Multiple congenital anomalies-hypotonia-seizures syndrome 3 (MCAHS3). Also called: GLYCOSYLPHOSPHATIDYLINOSITOL BIOSYNTHESIS DEFECT 7. Identifiers: Orphanet 369837, MedGen C3809356, MONDO:0014165, OMIM 615398.

gnomAD v4.1: 37 of 1,614,008 alleles (0.0023%); highest among the groups gnomAD compares: Middle Eastern, 0.082%; 1 homozygote.

Submissions (3):

Labcorp Genetics (formerly Invitae), Labcorp
Classification: Likely benign for Multiple congenital anomalies-hypotonia-seizures syndrome 3. Last evaluated: 2024-12-24. Review status: criteria provided, single submitter. Criteria: Invitae Variant Classification Sherloc (09022015). Collection method: clinical testing. Allele origin: germline.

Blueprint Genetics
Classification: Likely benign. Last evaluated: 2021-08-24. Review status: criteria provided, single submitter. Criteria: ACMG Guidelines, 2015. Collection method: clinical testing. Allele origin: germline.

PreventionGenetics, part of Exact Sciences
Classification: Likely benign for PIGT-related condition. Last evaluated: 2024-03-29. Review status: no assertion criteria provided. Collection method: clinical testing. Allele origin: germline. Not counted in ClinVar's aggregate classification.
Comment: This variant is classified as likely benign based on ACMG/AMP sequence variant interpretation guidelines (Richards et al. 2015 PMID: 25741868, with internal and published modifications).

NM_015937.6(PIGT):c.1611C>T (p.Ala537=)

Gene: PIGT (phosphatidylinositol glycan anchor biosynthesis class T; plus strand). Cytogenetic location: 20q13.12.
Variant type: single nucleotide variant.
Coding change: c.1611C>T on transcript NM_015937.6 (MANE Select); coding-DNA position 1611, C replaced by T.
Protein change: p.Ala537=; no amino-acid change (alanine 537 retained).
Molecular consequence: synonymous variant. On other transcripts: non-coding transcript variant (5).
Genome position (GRCh38, 1-based): chr20:45,425,700, C>T. VCF-style: chr20-45425700-C-T. GRCh37 (hg19) VCF-style: chr20-44054340-C-T.
Other names: c.1443C>T, p.Ala481= (NM_001184728.3); c.1410C>T, p.Ala470= (NM_001184729.3); c.1305C>T, p.Ala435= (NM_001184730.3).
Identifiers: ClinVar variation 3352812 (VCV003352812.4).
Genomic context (GRCh38, chr20:45,425,700, plus strand): 5'-GCCGACACCGGACTTCAGCATGCCCTACAACGTGATCTGCCTCACGTGCACTGTGGTGGC[C>T]GTGTGCTATGGCTCCTTCTACAATCTCCTCACCCGAACCTTCCACATCGAGGAGCCCCGC-3'
Protein context (NP_057021.2, residues 527-547): NVICLTCTVV[Ala537=]VCYGSFYNLL